The following is an entry in ClinVar:

NM_001130987.2(DYSF):c.3239CGGAGG[3] (p.1080AE[3])

Gene: DYSF (dysferlin; plus strand). Cytogenetic location: 2p13.2.
Variant type: Microsatellite.
Coding change: c.3239CGGAGG[3] on transcript NM_001130987.2 (MANE Select); three copies in a row of the 6-base unit CGGAGG starting at c.3239; the reference has two copies in a row; one copy, 6 bases duplicated.
Protein change: p.1080AE[3].
Molecular consequence: inframe insertion.
Genome position (GRCh38, 1-based): chr2:71,574,214-71,574,219, CGGAGG duplicated; duplicating any 6 consecutive bases within chr2:71,574,205-71,574,219 gives the same sequence; the position shown is the placement nearest the transcript's 3' end. VCF-style (leftmost placement, unchanged base first): chr2-71574204-C-CAGGCGG. GRCh37 (hg19) VCF-style: chr2-71801334-C-CAGGCGG.
Other names: p.Glu1083_Gly1084insAlaGlu; NM_001130987.2(DYSF):c.3239CGGAGG[3]; p.1080AE[3]; p.Ala1064_Glu1065dup; c.3191_3196dup (NM_003494.4, NM_003494.3); c.3188CGGAGG[3], p.1063AE[3] (NM_001130455.2, NM_001130983.2); c.3143CGGAGG[3], p.1048AE[3] (NM_001130976.2, NM_001130977.2); c.3185CGGAGG[3], p.1062AE[3] (NM_001130978.2, NM_003494.4); and 6 more.
Identifiers: ClinVar variation 94301 (VCV000094301.32), dbSNP rs398123779, ClinGen allele CA1706490.

ClinVar aggregate classification (germline): Benign. Review status: reviewed by expert panel (3 of 4 stars). 16 submissions from 14 submitters: Benign (1). 15 of the submissions do not count toward it. Last evaluated 2025-03-14.

Conditions:
Autosomal recessive limb-girdle muscular dystrophy. Identifiers: Orphanet 102015, MedGen C2931907, MONDO:0015152.
Neuromuscular disease caused by qualitative or quantitative defects of dysferlin. Also called: Qualitative or quantitative defects of dysferlin; Dysferlinopathy. Identifiers: Orphanet 207073, MedGen C2931687, MONDO:0016145.
Miyoshi muscular dystrophy 1 (MMD1). Identifiers: Orphanet 45448, MedGen C4551973, MONDO:0024545, OMIM 254130.
Autosomal recessive limb-girdle muscular dystrophy type 2B (LGMDR2). Also called: MUSCULAR DYSTROPHY, LIMB-GIRDLE, TYPE 3; Limb-girdle muscular dystrophy, type 2B; Limb-Girdle Muscular Dystrophy Type 2B (LGMD2B); MUSCULAR DYSTROPHY, LIMB-GIRDLE, AUTOSOMAL RECESSIVE 2. Identifiers: Orphanet 268, MedGen C1850889, MONDO:0009676, OMIM 253601.
Distal myopathy with anterior tibial onset. Identifiers: Orphanet 178400, MedGen C1847532, MONDO:0011721, OMIM 606768.

Submissions (16):

ClinGen Limb Girdle Muscular Dystrophy Variant Curation Expert Panel, ClinGen
Classification: Benign for Autosomal recessive limb-girdle muscular dystrophy. Last evaluated: 2025-03-14. Review status: reviewed by expert panel. Criteria: ClinGen LGMD VCEP ACMG Specifications DYSF V1.0.0. Collection method: curation. Allele origin: germline. Inheritance: Autosomal recessive inheritance.
Comment: The NM_003494.4: c.3191_3196dup p.(Glu1065_Gly1066insAlaGlu) variant in DYSF, which is also known as NM_001130987.2: c.3245_3250dup p.(Glu1083_Gly1084insAlaGlu), is predicted to cause a change in the length of the protein due to an in-frame insertion of two amino acids in a non-repeat region (PM4). The filtering allele frequency for this variant is 0.05714 in the European (non-Finnish) population of gnomAD v4.1.0 (the lower threshold of the 95% CI of 3989/68004 genome chromosomes), which is greater than the ClinGen LGMD VCEP threshold of ≥0.003 for BA1 (BA1). In summary, this variant meets the criteria to be classified as Benign for autosomal recessive limb girdle muscular dystrophy. Although there are both pathogenic and benign types of evidence for this variant, the pathogenic evidence is not considered inconsistent with the final classification. ACMG/AMP criteria applied, as specified by the ClinGen LGMD VCEP (LGMD VCEP specifications version 1.0.0; 03/14/2025): BA1, PM4.

Labcorp Genetics (formerly Invitae), Labcorp
Classification: Benign for Neuromuscular disease caused by qualitative or quantitative defects of dysferlin. Last evaluated: 2026-02-04. Review status: criteria provided, single submitter. Criteria: Invitae Variant Classification Sherloc (09022015). Collection method: clinical testing. Allele origin: germline. Not counted in ClinVar's aggregate classification.

Athena Diagnostics
Classification: Benign. Last evaluated: 2025-04-02. Review status: criteria provided, single submitter. Criteria: Athena Diagnostics Criteria. Collection method: clinical testing. Allele origin: unknown. Not counted in ClinVar's aggregate classification.
Comment: The frequency of this variant in the general population is higher than would generally be expected for pathogenic variants in this gene.

Blueprint Genetics
Classification: Benign. Last evaluated: 2024-11-26. Review status: criteria provided, single submitter. Criteria: ACMG Guidelines, 2015. Collection method: clinical testing. Allele origin: germline. Not counted in ClinVar's aggregate classification.

Genome-Nilou Lab
Classification: Benign for Autosomal recessive limb-girdle muscular dystrophy type 2B. Last evaluated: 2021-07-30. Review status: criteria provided, single submitter. Criteria: ACMG Guidelines, 2015. Collection method: clinical testing. Allele origin: germline. Affected: no. Not counted in ClinVar's aggregate classification.

Genome-Nilou Lab
Classification: Benign for Distal myopathy with anterior tibial onset. Last evaluated: 2021-07-30. Review status: criteria provided, single submitter. Criteria: ACMG Guidelines, 2015. Collection method: clinical testing. Allele origin: germline. Affected: no. Not counted in ClinVar's aggregate classification.

Genome-Nilou Lab
Classification: Benign for Miyoshi muscular dystrophy 1. Last evaluated: 2021-07-30. Review status: criteria provided, single submitter. Criteria: ACMG Guidelines, 2015. Collection method: clinical testing. Allele origin: germline. Affected: no. Not counted in ClinVar's aggregate classification.

Mayo Clinic Laboratories, Mayo Clinic
Classification: Benign. Last evaluated: 2018-01-16. Review status: criteria provided, single submitter. Criteria: ACMG Guidelines, 2015. Collection method: clinical testing. Allele origin: germline. Observed: 114 variant alleles. Not counted in ClinVar's aggregate classification.

GeneDx
Classification: Benign. Last evaluated: 2016-01-07. Review status: criteria provided, single submitter. Criteria: GeneDx Variant Classification Process June 2021. Collection method: clinical testing. Allele origin: germline. Affected: yes. Not counted in ClinVar's aggregate classification.
Comment: This variant is associated with the following publications: (PMID: 19528035, 15469449, 14678801, 31862442)

Eurofins Ntd Llc (ga)
Classification: Benign. Last evaluated: 2015-06-24. Review status: criteria provided, single submitter. Criteria: EGL Classification Definitions. Collection method: clinical testing. Allele origin: germline. Observed: 9 variant alleles, 1 heterozygote. Not counted in ClinVar's aggregate classification.

Laboratory for Molecular Medicine, Mass General Brigham Personalized Medicine
Classification: Benign. Last evaluated: 2014-12-19. Review status: criteria provided, single submitter. Criteria: LMM Criteria. Collection method: clinical testing. Allele origin: germline. Observed: 2 variant alleles. Not counted in ClinVar's aggregate classification.
Comment: p.Ala1082_Glu1083dup in exon 30 of DYSF: This variant is a duplication of 2 amin o acids at position 1082 and is not predicted to alter the protein reading-frame . This variant is not expected to have clinical significance because it has been identified in 5.6% (453/8150) of European American chromosomes by the NHLBI Exo me Sequencing Project.

PreventionGenetics, part of Exact Sciences
Classification: Benign. Review status: criteria provided, single submitter. Criteria: ACMG Guidelines, 2015. Collection method: clinical testing. Allele origin: germline. Not counted in ClinVar's aggregate classification.

Natera, Inc.
Classification: Benign for Limb-girdle muscular dystrophy type 2B. Last evaluated: 2020-09-16. Review status: no assertion criteria provided. Collection method: clinical testing. Allele origin: germline. Not counted in ClinVar's aggregate classification.

Clinical Genetics, Academic Medical Center
Classification: Benign. Review status: no assertion criteria provided. Collection method: clinical testing. Allele origin: germline. Affected: yes. Study: VKGL Data-share Consensus. Not counted in ClinVar's aggregate classification.

Genome Diagnostics Laboratory, University Medical Center Utrecht
Classification: Benign. Review status: no assertion criteria provided. Collection method: clinical testing. Allele origin: germline. Affected: yes. Study: VKGL Data-share Consensus. Not counted in ClinVar's aggregate classification.

Laboratory of Diagnostic Genome Analysis, Leiden University Medical Center (LUMC)
Classification: Likely benign. Review status: no assertion criteria provided. Collection method: clinical testing. Allele origin: germline. Affected: yes. Study: VKGL Data-share Consensus. Not counted in ClinVar's aggregate classification.

Literature cited by the submitters: PubMed 14678801 (cited by Laboratory for Molecular Medicine, Mass General Brigham Personalized Medicine); PubMed 15469449 (cited by Laboratory for Molecular Medicine, Mass General Brigham Personalized Medicine).